The following is an entry in ClinVar:

ClinVar aggregate classification (germline): Likely benign. Review status: criteria provided, multiple submitters, no conflicts (2 of 4 stars). 3 submissions from 3 submitters: Likely benign (3). Last evaluated 2025-05-12.

Conditions:
FLNC-related disorder. Also called: FLNC-related condition; FLNC-related disorders.
Hypertrophic cardiomyopathy 26. Also called: Cardiomyopathy, familial hypertrophic, 26. Identifiers: Orphanet 75249, MedGen C4310749, MONDO:0014883, OMIM 617047.
Distal myopathy with posterior leg and anterior hand involvement. Also called: WILLIAMS DISTAL MYOPATHY. Identifiers: Orphanet 63273, MedGen C3279722, MONDO:0013550, OMIM 614065.
Myofibrillar myopathy 5. Also called: Filaminopathy (type); FILAMINOPATHY, AUTOSOMAL DOMINANT. Identifiers: Orphanet 171445, MedGen C1836050, MONDO:0012289, OMIM 609524.
Cardiovascular phenotype. Identifiers: MedGen CN230736.

Allele frequency attached by ClinVar (database versions not stated): gnomAD 0.00001; gnomAD exomes 0.00001; TOPMed 0.00002; ESP Exome Variant Server 0.00016.
gnomAD v4.1: 2 of 1,611,970 alleles (0.00012%); highest among the groups gnomAD compares: African/African-American, 0.0027%; no homozygotes.

Submissions (3):

PreventionGenetics, part of Exact Sciences
Classification: Likely benign for FLNC-related condition. Last evaluated: 2025-05-12. Review status: criteria provided, single submitter. Criteria: ACMG Guidelines, 2015. Collection method: clinical testing. Allele origin: germline.
Comment: This variant is classified as likely benign based on ACMG/AMP sequence variant interpretation guidelines (Richards et al. 2015 PMID: 25741868, with internal and published modifications).

Labcorp Genetics (formerly Invitae), Labcorp
Classification: Likely benign for Distal myopathy with posterior leg and anterior hand involvement; Myofibrillar myopathy 5; Hypertrophic cardiomyopathy 26. Last evaluated: 2024-10-09. Review status: criteria provided, single submitter. Criteria: Invitae Variant Classification Sherloc (09022015). Collection method: clinical testing. Allele origin: germline.

Ambry Genetics
Classification: Likely benign for Cardiovascular phenotype. Last evaluated: 2021-01-29. Review status: criteria provided, single submitter. Criteria: Ambry Variant Classification Scheme 2023. Collection method: clinical testing. Allele origin: germline.

NM_001458.5(FLNC):c.5478T>C (p.Tyr1826=)

Genes: FLNC (filamin C; plus strand), FLNC-AS1 (FLNC antisense RNA 1; minus strand). Cytogenetic location: 7q32.1.
Variant type: single nucleotide variant.
Coding change: c.5478T>C on transcript NM_001458.5 (MANE Select); coding-DNA position 5478, T replaced by C.
Protein change: p.Tyr1826=; no amino-acid change (tyrosine 1826 retained).
Molecular consequence: synonymous variant.
Genome position (GRCh38, 1-based): chr7:128,850,882, T>C. VCF-style: chr7-128850882-T-C. GRCh37 (hg19) VCF-style: chr7-128490936-T-C.
Other names: c.5379T>C, p.Tyr1793= (NM_001127487.2).
Identifiers: ClinVar variation 754868 (VCV000754868.12), dbSNP rs371167779, ClinGen allele CA166188191.